The following is an entry in ClinVar:

NM_004656.4(BAP1):c.1732G>A (p.Gly578Ser)

Gene: BAP1 (BRCA1 associated deubiquitinase 1; minus strand). Cytogenetic location: 3p21.1.
Variant type: single nucleotide variant.
Coding change: c.1732G>A on transcript NM_004656.4 (MANE Select); coding-DNA position 1732, G replaced by A.
Protein change: p.Gly578Ser; replaces glycine 578 with serine.
Molecular consequence: missense variant.
Genome position (GRCh38, 1-based): chr3:52,403,296, C>T on the plus strand (G>A on the coding strand, the complement: BAP1 is on the minus strand). VCF-style: chr3-52403296-C-T. GRCh37 (hg19) VCF-style: chr3-52437312-C-T.
Other names: short protein forms G578S.
Identifiers: ClinVar variation 627794 (VCV000627794.8), dbSNP rs1559586163, ClinGen allele CA353099365.
Genomic context (GRCh38, chr3:52,403,296, plus strand): 5'-GGCTGCTGGACCCCTGGCTGCCTTGGATTGGTCTGATGGAGGGCGAGGAACCCTTCCCAC[C>T]CTCTGGGAAGAGAGGTCACAAGAAAATCATCAGAGTGCAGGACACTTTGTGGTCACTTGG-3'
Protein context (NP_004647.1, residues 568-588): GVLSPLALTE[Gly578Ser]GKGSSPSIRP

ClinVar aggregate classification (germline): Uncertain significance. Review status: criteria provided, multiple submitters, no conflicts (2 of 4 stars). 4 submissions from 4 submitters: Uncertain significance (4). Last evaluated 2024-07-15.

Conditions:
BAP1-related tumor predisposition syndrome (TPDS1). Also called: Tumor susceptibility linked to germline BAP1 mutations; COMMON Syndrome; BAP1 tumor predisposition syndrome; TUMOR PREDISPOSITION SYNDROME 1. Identifiers: Orphanet 289539, MedGen C3280492, MONDO:0013692, OMIM 614327.
Hereditary cancer-predisposing syndrome. Also called: Tumor predisposition; Neoplastic Syndromes, Hereditary; Hereditary Cancer Syndrome; Hereditary neoplastic syndrome. Identifiers: Orphanet 140162, MedGen C0027672, MeSH D009386, MONDO:0015356.

Submissions (4):

Labcorp Genetics (formerly Invitae), Labcorp
Classification: Uncertain significance for BAP1-related tumor predisposition syndrome. Last evaluated: 2024-07-15. Review status: criteria provided, single submitter. Criteria: Invitae Variant Classification Sherloc (09022015). Collection method: clinical testing. Allele origin: germline.
Comment: This sequence change replaces glycine, which is neutral and non-polar, with serine, which is neutral and polar, at codon 578 of the BAP1 protein (p.Gly578Ser). This variant is not present in population databases (gnomAD no frequency). This variant has not been reported in the literature in individuals affected with BAP1-related conditions. ClinVar contains an entry for this variant (Variation ID: 627794). An algorithm developed to predict the effect of missense changes on protein structure and function outputs the following: PolyPhen-2: "Benign". The serine amino acid residue is found in multiple mammalian species, which suggests that this missense change does not adversely affect protein function. In summary, the available evidence is currently insufficient to determine the role of this variant in disease. Therefore, it has been classified as a Variant of Uncertain Significance.

Blueprint Genetics
Classification: Uncertain significance. Last evaluated: 2023-04-13. Review status: criteria provided, single submitter. Criteria: ACMG Guidelines, 2015. Collection method: clinical testing. Allele origin: germline.

Ambry Genetics
Classification: Uncertain significance for Hereditary cancer-predisposing syndrome. Last evaluated: 2022-03-31. Review status: criteria provided, single submitter. Criteria: Ambry Variant Classification Scheme 2023. Collection method: clinical testing. Allele origin: germline.
Comment: The p.G578S variant (also known as c.1732G>A), located in coding exon 14 of the BAP1 gene, results from a G to A substitution at nucleotide position 1732. The glycine at codon 578 is replaced by serine, an amino acid with similar properties. This amino acid position is conserved. In addition, this alteration is predicted to be tolerated by in silico analysis. Since supporting evidence is limited at this time, the clinical significance of this alteration remains unclear.

Color Diagnostics, LLC DBA Color Health
Classification: Uncertain significance for Hereditary cancer-predisposing syndrome. Last evaluated: 2019-02-01. Review status: criteria provided, single submitter. Criteria: ACMG Guidelines, 2015. Collection method: clinical testing. Allele origin: germline.